The following is an entry in ClinVar:

NM_001130053.5(EEF1D):c.874C>T (p.Arg292Ter)

Gene: EEF1D (eukaryotic translation elongation factor 1 delta; minus strand). Cytogenetic location: 8q24.3.
Variant type: single nucleotide variant.
Coding change: c.874C>T on transcript NM_001130053.5 (MANE Select); coding-DNA position 874, C replaced by T.
Protein change: p.Arg292Ter; replaces arginine 292 with a stop codon.
Molecular consequence: nonsense. On other transcripts: intron variant (8).
Genome position (GRCh38, 1-based): chr8:143,589,208, G>A on the plus strand (C>T on the coding strand, the complement: EEF1D is on the minus strand). VCF-style: chr8-143589208-G-A. GRCh37 (hg19) VCF-style: chr8-144671378-G-A.
Other names: c.874C>T, p.Arg292Ter (NM_032378.7); c.-4-2359C>T (NM_001317743.4, NM_001289950.4, NM_001130055.4); c.-7-2356C>T (NM_001130056.5, NM_001195203.4, NM_001960.7 and 2 more transcripts); short protein forms R292*.
Identifiers: ClinVar variation 3775457 (VCV003775457.1).

ClinVar aggregate classification (germline): Likely pathogenic (1 of 4 stars; one submission).

Conditions:
EEF1D-related intellectual disabilities.

gnomAD v4.1: 6 of 1,586,956 alleles (0.00038%); highest among the groups gnomAD compares: South Asian, 0.0011%; no homozygotes.

Submission:

3billion
Classification: Likely pathogenic for EEF1D-related intellectual disabilities. Last evaluated: 2023-08-01. Review status: criteria provided, single submitter. Criteria: ACMG Guidelines, 2015. Collection method: clinical testing. Allele origin: germline. Affected: yes.
Comment: The variant is not observed in the gnomAD v2.1.1 dataset. Predicted Consequence/Location: Stop-gained (nonsense): predicted to result in a loss or disruption of normal protein function through nonsense-mediated decay (NMD) or protein truncation. Multiple pathogenic variants are reported downstream of the variant. Therefore, this variant is classified as Likely pathogenic according to the recommendation of ACMG/AMP guideline.